The following is an entry in ClinVar:

NM_000530.8(MPZ):c.435T>C (p.Tyr145=)

Gene: MPZ (myelin protein zero; minus strand). Cytogenetic location: 1q23.3.
Variant type: single nucleotide variant.
Coding change: c.435T>C on transcript NM_000530.8 (MANE Select); coding-DNA position 435, T replaced by C.
Protein change: p.Tyr145=; no amino-acid change (tyrosine 145 retained).
Molecular consequence: synonymous variant.
Genome position (GRCh38, 1-based): chr1:161,306,721, A>G on the plus strand (T>C on the coding strand, the complement: MPZ is on the minus strand). VCF-style: chr1-161306721-A-G. GRCh37 (hg19) VCF-style: chr1-161276511-A-G.
Other names: c.435T>C, p.Tyr145= (NM_001315491.2).
Identifiers: ClinVar variation 4681095 (VCV004681095.1).

ClinVar aggregate classification (germline): Uncertain significance (1 of 4 stars; one submission).

gnomAD v4.1: 2 of 1,614,054 alleles (0.00012%); highest among the groups gnomAD compares: South Asian, 0.0022%; no homozygotes.

Submission:

GeneDx
Classification: Uncertain significance. Last evaluated: 2025-07-01. Review status: criteria provided, single submitter. Criteria: GeneDx Variant Classification Process June 2021. Collection method: clinical testing. Allele origin: germline. Affected: yes.
Comment: Not observed at significant frequency in large population cohorts (gnomAD); Has not been previously published as pathogenic or benign to our knowledge; In silico analysis is inconclusive as to whether the variant alters gene splicing. In the absence of RNA/functional studies, the actual effect of this sequence change is unknown.